The following is an entry in ClinVar:

ClinVar aggregate classification (germline): Uncertain significance (1 of 4 stars; one submission).

Conditions:
Amyotrophic lateral sclerosis type 4 (ALS4). Also called: AMYOTROPHIC LATERAL SCLEROSIS 4, JUVENILE; NEURONOPATHY, DISTAL HEREDITARY MOTOR, WITH PYRAMIDAL FEATURES. Identifiers: Orphanet 357043, MedGen C1865409, MONDO:0011223, OMIM 602433.
Spinocerebellar ataxia, autosomal recessive, with axonal neuropathy 2 (SCAN2). Also called: Ataxia with Oculomotor Apraxia Type 2; Ataxia with Oculomotor Apraxia; Ataxia-ocular apraxia-2; ATAXIA-OCULOMOTOR APRAXIA 2. Identifiers: Orphanet 64753, MedGen C1853761, MONDO:0018996, OMIM 606002.

Allele frequency attached by ClinVar (database versions not stated): TOPMed below 0.00001; gnomAD 0.00001.
gnomAD v4.1: 5 of 1,613,624 alleles (0.00031%); highest among the groups gnomAD compares: Middle Eastern, 0.016%; no homozygotes.

Submission:

Labcorp Genetics (formerly Invitae), Labcorp
Classification: Uncertain significance for Amyotrophic lateral sclerosis type 4; Spinocerebellar ataxia, autosomal recessive, with axonal neuropathy 2. Last evaluated: 2022-09-07. Review status: criteria provided, single submitter. Criteria: Invitae Variant Classification Sherloc (09022015). Collection method: clinical testing. Allele origin: germline.
Comment: In summary, the available evidence is currently insufficient to determine the role of this variant in disease. Therefore, it has been classified as a Variant of Uncertain Significance. Advanced modeling of protein sequence and biophysical properties (such as structural, functional, and spatial information, amino acid conservation, physicochemical variation, residue mobility, and thermodynamic stability) performed at Invitae indicates that this missense variant is not expected to disrupt SETX protein function. ClinVar contains an entry for this variant (Variation ID: 1479827). This variant has not been reported in the literature in individuals affected with SETX-related conditions. This variant is not present in population databases (gnomAD no frequency). This sequence change replaces lysine, which is basic and polar, with glutamic acid, which is acidic and polar, at codon 651 of the SETX protein (p.Lys651Glu).

NM_015046.7(SETX):c.1951A>G (p.Lys651Glu)

Gene: SETX (senataxin; minus strand). Cytogenetic location: 9q34.13.
Variant type: single nucleotide variant.
Coding change: c.1951A>G on transcript NM_015046.7 (MANE Select); coding-DNA position 1951, A replaced by G.
Protein change: p.Lys651Glu; replaces lysine 651 with glutamic acid.
Molecular consequence: missense variant.
Genome position (GRCh38, 1-based): chr9:132,329,647, T>C on the plus strand (A>G on the coding strand, the complement: SETX is on the minus strand). VCF-style: chr9-132329647-T-C. GRCh37 (hg19) VCF-style: chr9-135205034-T-C.
Other names: c.1951A>G, p.Lys651Glu (NM_001351527.2, NM_001351528.2); short protein forms K651E.
Identifiers: ClinVar variation 1479827 (VCV001479827.6), dbSNP rs1015257691, ClinGen allele CA200813491.